The following is an entry in ClinVar:

ClinVar aggregate classification (germline): Uncertain significance. Review status: criteria provided, multiple submitters, no conflicts (2 of 4 stars). 2 submissions from 2 submitters: Uncertain significance (2). Last evaluated 2023-11-16.

Conditions:
NEB-related disorder. Also called: NEB-Related Disorders; NEB-related condition.
Nemaline myopathy 2 (NEM2). Also called: Nemaline myopathy 2, autosomal recessive. Identifiers: MedGen C1850569, MONDO:0009725, OMIM 256030.

Allele frequency attached by ClinVar (database versions not stated): gnomAD exomes below 0.00001; TOPMed 0.00001.
gnomAD v4.1: 3 of 1,612,968 alleles (0.00019%); highest among the groups gnomAD compares: Admixed American, 0.0033%; no homozygotes.

Submissions (2):

Labcorp Genetics (formerly Invitae), Labcorp
Classification: Uncertain significance for Nemaline myopathy 2. Last evaluated: 2023-11-16. Review status: criteria provided, single submitter. Criteria: Invitae Variant Classification Sherloc (09022015). Collection method: clinical testing. Allele origin: germline.
Comment: This sequence change replaces proline, which is neutral and non-polar, with serine, which is neutral and polar, at codon 2741 of the NEB protein (p.Pro2741Ser). This variant is present in population databases (no rsID available, gnomAD 0.003%). This variant has not been reported in the literature in individuals affected with NEB-related conditions. ClinVar contains an entry for this variant (Variation ID: 2159575). Experimental studies and prediction algorithms are not available or were not evaluated, and the functional significance of this variant is currently unknown. In summary, the available evidence is currently insufficient to determine the role of this variant in disease. Therefore, it has been classified as a Variant of Uncertain Significance.

PreventionGenetics, part of Exact Sciences
Classification: Uncertain significance for NEB-related condition. Last evaluated: 2023-01-27. Review status: criteria provided, single submitter. Criteria: ACMG Guidelines, 2015. Collection method: clinical testing. Allele origin: germline.
Comment: The NEB c.8221C>T variant is predicted to result in the amino acid substitution p.Pro2741Ser. To our knowledge, this variant has not been reported in the literature. This variant is reported in 0.0029% of alleles in individuals of Latino descent in gnomAD. At this time, the clinical significance of this variant is uncertain due to the absence of conclusive functional and genetic evidence.

NM_001164508.2(NEB):c.8221C>T (p.Pro2741Ser)

Gene: NEB (nebulin; minus strand). Cytogenetic location: 2q23.3.
Variant type: single nucleotide variant.
Coding change: c.8221C>T on transcript NM_001164508.2 (MANE Select); coding-DNA position 8221, C replaced by T.
Protein change: p.Pro2741Ser; replaces proline 2741 with serine.
Molecular consequence: missense variant.
Genome position (GRCh38, 1-based): chr2:151,642,809, G>A on the plus strand (C>T on the coding strand, the complement: NEB is on the minus strand). VCF-style: chr2-151642809-G-A. GRCh37 (hg19) VCF-style: chr2-152499323-G-A.
Other names: c.8221C>T, p.Pro2741Ser (NM_001164507.2, NM_001271208.2, NM_004543.5); short protein forms P2741S.
Identifiers: ClinVar variation 2159575 (VCV002159575.5), dbSNP rs1259955139, ClinGen allele CA348812838.